The following is an entry in ClinVar:

NM_020297.4(ABCC9):c.566G>A (p.Arg189Gln)

Gene: ABCC9 (ATP binding cassette subfamily C member 9; minus strand). Cytogenetic location: 12p12.1.
Variant type: single nucleotide variant.
Coding change: c.566G>A on transcript NM_020297.4 (MANE Select); coding-DNA position 566, G replaced by A.
Protein change: p.Arg189Gln; replaces arginine 189 with glutamine.
Molecular consequence: missense variant. On other transcripts: intron variant (1).
Genome position (GRCh38, 1-based): chr12:21,916,944, C>T on the plus strand (G>A on the coding strand, the complement: ABCC9 is on the minus strand). VCF-style: chr12-21916944-C-T. GRCh37 (hg19) VCF-style: chr12-22069878-C-T.
Other names: c.566G>A, p.Arg189Gln (NM_005691.4, NM_001377273.1); c.-48-3878G>A (NM_001377274.1); short protein forms R189Q.
Identifiers: ClinVar variation 2726395 (VCV002726395.5), dbSNP rs945226728, ClinGen allele CA233614175.
Genomic context (GRCh38, chr12:21,916,944, plus strand): 5'-TCATATTGGGGTCTTGAATCCAAGTAACTAAACAAAAGCCATTAGCTACCTACCCTGACT[C>T]GAATGACATTGATCTCCACAGCCATCAAGAGCCCATTCAAGATGACCATCATGCCTGTGA-3'
Protein context (NP_064693.2, residues 179-199): LLMAVEINVI[Arg189Gln]VRRYVFFMNP

ClinVar aggregate classification (germline): Uncertain significance. Review status: criteria provided, multiple submitters, no conflicts (2 of 4 stars). 3 submissions from 3 submitters: Uncertain significance (3). Last evaluated 2024-12-19.

Conditions:
Hypertrichotic osteochondrodysplasia Cantu type. Also called: Cantú Syndrome; Cantu Syndrome. Identifiers: Orphanet 1517, MedGen C0795905, MONDO:0009406, OMIM 239850.
Dilated cardiomyopathy 1O (CMD1O). Also called: CARDIOMYOPATHY, DILATED, WITH VENTRICULAR TACHYCARDIA. Identifiers: Orphanet 154, MedGen C1837839, MONDO:0012062, OMIM 608569.

Allele frequency attached by ClinVar (database versions not stated): gnomAD exomes below 0.00001; TOPMed below 0.00001.
gnomAD v4.1: 2 of 1,610,908 alleles (0.00012%); highest among the groups gnomAD compares: Non-Finnish European, 0.00017%; no homozygotes.

Submissions (3):

Genomic Medicine Center of Excellence, King Faisal Specialist Hospital and Research Centre
Classification: Uncertain significance for Hypertrichotic osteochondrodysplasia Cantu type. Last evaluated: 2024-12-19. Review status: criteria provided, single submitter. Criteria: ACMG Guidelines, 2015. Collection method: clinical testing. Allele origin: germline.

Labcorp Genetics (formerly Invitae), Labcorp
Classification: Uncertain significance for Dilated cardiomyopathy 1O. Last evaluated: 2024-03-12. Review status: criteria provided, single submitter. Criteria: Invitae Variant Classification Sherloc (09022015). Collection method: clinical testing. Allele origin: germline.
Comment: This sequence change replaces arginine, which is basic and polar, with glutamine, which is neutral and polar, at codon 189 of the ABCC9 protein (p.Arg189Gln). This variant is present in population databases (no rsID available, gnomAD 0.0009%). This variant has not been reported in the literature in individuals affected with ABCC9-related conditions. Advanced modeling of protein sequence and biophysical properties (such as structural, functional, and spatial information, amino acid conservation, physicochemical variation, residue mobility, and thermodynamic stability) has been performed at Invitae for this missense variant, however the output from this modeling did not meet the statistical confidence thresholds required to predict the impact of this variant on ABCC9 protein function. In summary, the available evidence is currently insufficient to determine the role of this variant in disease. Therefore, it has been classified as a Variant of Uncertain Significance.

Blueprint Genetics
Classification: Uncertain significance. Last evaluated: 2023-10-18. Review status: criteria provided, single submitter. Criteria: ACMG Guidelines, 2015. Collection method: clinical testing. Allele origin: germline.